The following is an entry in ClinVar:

NM_139076.3(ABRAXAS1):c.754C>T (p.Arg252Ter)

Gene: ABRAXAS1 (abraxas 1, BRCA1 A complex subunit; minus strand). Cytogenetic location: 4q21.23.
Variant type: single nucleotide variant.
Coding change: c.754C>T on transcript NM_139076.3 (MANE Select); coding-DNA position 754, C replaced by T.
Protein change: p.Arg252Ter; replaces arginine 252 with a stop codon.
Molecular consequence: nonsense.
Genome position (GRCh38, 1-based): chr4:83,463,536, G>A on the plus strand (C>T on the coding strand, the complement: ABRAXAS1 is on the minus strand). VCF-style: chr4-83463536-G-A. GRCh37 (hg19) VCF-style: chr4-84384689-G-A.
Other names: c.427C>T, p.Arg143Ter (NM_001345962.2); short protein forms R252*, R143*.
Identifiers: ClinVar variation 1465207 (VCV001465207.6), dbSNP rs1300270870, ClinGen allele CA357256850.

ClinVar aggregate classification (germline): Uncertain significance (1 of 4 stars; one submission).

Allele frequency attached by ClinVar (database versions not stated): TOPMed 0.00003.
gnomAD v4.1: 9 of 1,611,104 alleles (0.00056%); highest among the groups gnomAD compares: African/African-American, 0.0027%; no homozygotes.

Submission:

Labcorp Genetics (formerly Invitae), Labcorp
Classification: Uncertain significance. Last evaluated: 2024-10-31. Review status: criteria provided, single submitter. Criteria: Invitae Variant Classification Sherloc (09022015). Collection method: clinical testing. Allele origin: germline.
Comment: This sequence change creates a premature translational stop signal (p.Arg252*) in the ABRAXAS1 gene. While this is not anticipated to result in nonsense mediated decay, it is expected to disrupt the last 158 amino acid(s) of the ABRAXAS1 protein. This variant is present in population databases (no rsID available, gnomAD 0.01%). This variant has not been reported in the literature in individuals affected with ABRAXAS1-related conditions. ClinVar contains an entry for this variant (Variation ID: 1465207). Experimental studies and prediction algorithms are not available or were not evaluated, and the functional significance of this variant is currently unknown. In summary, the available evidence is currently insufficient to determine the role of this variant in disease. Therefore, it has been classified as a Variant of Uncertain Significance.